The following is an entry in ClinVar:

NM_001353345.2(SETD1B):c.3127G>C (p.Ala1043Pro)

Gene: SETD1B (SET domain containing 1B, histone lysine methyltransferase; plus strand). Cytogenetic location: 12q24.31.
Variant type: single nucleotide variant.
Coding change: c.3127G>C on transcript NM_001353345.2 (MANE Select); coding-DNA position 3127, G replaced by C.
Protein change: p.Ala1043Pro; replaces alanine 1043 with proline.
Molecular consequence: missense variant.
Genome position (GRCh38, 1-based): chr12:121,817,519, G>C. VCF-style: chr12-121817519-G-C. GRCh37 (hg19) VCF-style: chr12-122255425-G-C.
Other names: short protein forms A1043P.
Identifiers: ClinVar variation 2579463 (VCV002579463.1), dbSNP rs2500213488, ClinGen allele CA386996183.
Genomic context (GRCh38, chr12:121,817,519, plus strand): 5'-CCGGCGCGGCCTCTGGAGCTGGACAGTGGTGGGGAGGAGGACGAGAAGGAGTCATTGTCG[G>C]CGTCCTCGTCCTCATCCGCGTCATCATCCTCGGGGTCCTCAACCACCTCACCCTCGTCCT-3'
Protein context (NP_001340274.1, residues 1033-1053): GEEDEKESLS[Ala1043Pro]SSSSSASSSS

ClinVar aggregate classification (germline): Uncertain significance (1 of 4 stars; one submission).

Allele frequency attached by ClinVar (database versions not stated): gnomAD exomes below 0.00001.
gnomAD v4.1: 1 of 1,551,452 alleles (0.000064%); highest among the groups gnomAD compares: Non-Finnish European, 0.000087%; no homozygotes.

Submission:

GeneDx
Classification: Uncertain significance. Last evaluated: 2023-03-07. Review status: criteria provided, single submitter. Criteria: GeneDx Variant Classification Process June 2021. Collection method: clinical testing. Allele origin: germline. Affected: yes.
Comment: Not observed at significant frequency in large population cohorts (gnomAD); In silico analysis is inconclusive as to whether the variant alters protein structure/function; Has not been previously published as pathogenic or benign to our knowledge